The following is an entry in ClinVar:

NM_003922.4(HERC1):c.5401A>G (p.Lys1801Glu)

Gene: HERC1 (HECT and RLD domain containing E3 ubiquitin protein ligase family member 1; minus strand). Cytogenetic location: 15q22.31.
Variant type: single nucleotide variant.
Coding change: c.5401A>G on transcript NM_003922.4 (MANE Select); coding-DNA position 5401, A replaced by G.
Protein change: p.Lys1801Glu; replaces lysine 1801 with glutamic acid.
Molecular consequence: missense variant.
Genome position (GRCh38, 1-based): chr15:63,694,391, T>C on the plus strand (A>G on the coding strand, the complement: HERC1 is on the minus strand). VCF-style: chr15-63694391-T-C. GRCh37 (hg19) VCF-style: chr15-63986590-T-C.
Other names: short protein forms K1801E.
Identifiers: ClinVar variation 1317187 (VCV001317187.7), dbSNP rs199771827, ClinGen allele CA7605550.

ClinVar aggregate classification (germline): Uncertain significance. Review status: criteria provided, multiple submitters, no conflicts (2 of 4 stars). 3 submissions from 3 submitters: Uncertain significance (3). Last evaluated 2026-01-19.

Conditions:
Inborn genetic diseases. Identifiers: MedGen C0950123, MeSH D030342.

Allele frequency attached by ClinVar (database versions not stated): gnomAD exomes 0.00001 and 0.00004; ExAC 0.00006; 1000 Genomes Project 30x 0.00016; 1000 Genomes Project 0.00020; gnomAD 0.00023 and 0.00026; ESP Exome Variant Server 0.00025; TOPMed 0.00030.
gnomAD v4.1: 60 of 1,613,986 alleles (0.0037%); highest among the groups gnomAD compares: African/African-American, 0.069%; no homozygotes.

Submissions (3):

Labcorp Genetics (formerly Invitae), Labcorp
Classification: Uncertain significance. Last evaluated: 2026-01-19. Review status: criteria provided, single submitter. Criteria: Invitae Variant Classification Sherloc (09022015). Collection method: clinical testing. Allele origin: germline.
Comment: This sequence change replaces lysine, which is basic and polar, with glutamic acid, which is acidic and polar, at codon 1801 of the HERC1 protein (p.Lys1801Glu). This variant is present in population databases (rs199771827, gnomAD 0.08%). This variant has not been reported in the literature in individuals affected with HERC1-related conditions. ClinVar contains an entry for this variant (Variation ID: 1317187). An algorithm developed to predict the effect of missense changes on protein structure and function (PolyPhen-2) suggests that this variant is likely to be disruptive. In summary, the available evidence is currently insufficient to determine the role of this variant in disease. Therefore, it has been classified as a Variant of Uncertain Significance.

Ambry Genetics
Classification: Uncertain significance for Inborn genetic diseases. Last evaluated: 2024-07-07. Review status: criteria provided, single submitter. Criteria: Ambry Variant Classification Scheme 2023. Collection method: clinical testing. Allele origin: germline.

GeneDx
Classification: Uncertain significance. Last evaluated: 2023-03-26. Review status: criteria provided, single submitter. Criteria: GeneDx Variant Classification Process June 2021. Collection method: clinical testing. Allele origin: germline. Affected: yes.
Comment: In silico analysis, which includes protein predictors and evolutionary conservation, supports that this variant does not alter protein structure/function; Has not been previously published as pathogenic or benign to our knowledge